The following is an entry in ClinVar:

NM_031220.4(PITPNM3):c.1688C>T (p.Thr563Met)

Gene: PITPNM3 (PITPNM family member 3; minus strand). Cytogenetic location: 17p13.2.
Variant type: single nucleotide variant.
Coding change: c.1688C>T on transcript NM_031220.4 (MANE Select); coding-DNA position 1688, C replaced by T.
Protein change: p.Thr563Met; replaces threonine 563 with methionine.
Molecular consequence: missense variant.
Genome position (GRCh38, 1-based): chr17:6,470,345, G>A on the plus strand (C>T on the coding strand, the complement: PITPNM3 is on the minus strand). VCF-style: chr17-6470345-G-A. GRCh37 (hg19) VCF-style: chr17-6373665-G-A.
Other names: c.1580C>T, p.Thr527Met (NM_001165966.2); short protein forms T563M, T527M.
Identifiers: ClinVar variation 194272 (VCV000194272.20), dbSNP rs139119218, ClinGen allele CA240158.

ClinVar aggregate classification (germline): Conflicting classifications of pathogenicity. Review status: criteria provided, conflicting classifications (1 of 4 stars). 6 submissions from 6 submitters: Uncertain significance (1); Likely benign (4). 1 of the submissions does not count toward it. Last evaluated 2026-05-27.

Conditions:
PITPNM3-related disorder. Also called: PITPNM3-related condition.
Retinitis pigmentosa (RP). Identifiers: Orphanet 791, MedGen C0035334, MeSH D012174, MONDO:0019200, OMIM 268000. Inheritance: Autosomal dominant, autosomal recessive and X linked inheritance.
Cone-rod dystrophy 5 (CORD5). Identifiers: Orphanet 1872, MedGen C1832976, MONDO:0010969, OMIM 600977.

Allele frequency attached by ClinVar (database versions not stated): 1000 Genomes Project 30x 0.00062; gnomAD 0.00028 and 0.00030; ESP Exome Variant Server 0.00031; gnomAD exomes 0.00037 and 0.00050; TOPMed 0.00040; ExAC 0.00045; 1000 Genomes Project 0.00060.
gnomAD v4.1: 618 of 1,614,108 alleles (0.038%); highest among the groups gnomAD compares: Middle Eastern, 0.54%; no homozygotes.

Submissions (6):

PreventionGenetics, part of Exact Sciences
Classification: Likely benign for PITPNM3-related condition. Last evaluated: 2026-05-27. Review status: criteria provided, single submitter. Criteria: ACMG Guidelines, 2015. Collection method: clinical testing. Allele origin: germline.
Comment: This variant is classified as likely benign based on ACMG/AMP sequence variant interpretation guidelines (Richards et al. 2015 PMID: 25741868, with internal and published modifications).

Labcorp Genetics (formerly Invitae), Labcorp
Classification: Likely benign. Last evaluated: 2025-11-10. Review status: criteria provided, single submitter. Criteria: Invitae Variant Classification Sherloc (09022015). Collection method: clinical testing. Allele origin: germline.

Blueprint Genetics
Classification: Likely benign. Last evaluated: 2024-11-22. Review status: criteria provided, single submitter. Criteria: ACMG Guidelines, 2015. Collection method: clinical testing. Allele origin: germline.

Illumina Laboratory Services, Illumina
Classification: Likely benign for Cone-rod dystrophy 5. Last evaluated: 2018-01-13. Review status: criteria provided, single submitter. Criteria: ICSL Variant Classification Criteria 13 December 2019. Collection method: clinical testing. Allele origin: germline.
Comment: This variant was observed in the ICSL laboratory as part of a predisposition screen in an ostensibly healthy population. It had not been previously curated by ICSL or reported in the Human Gene Mutation Database (HGMD: prior to June 1st, 2018), and was therefore a candidate for classification through an automated scoring system. Utilizing variant allele frequency, disease prevalence and penetrance estimates, and inheritance mode, an automated score was calculated to assess if this variant is too frequent to cause the disease. Based on the score and internal cut-off values, a variant classified as likely benign is not then subjected to further curation. The score for this variant resulted in a classification of likely benign for this disease.

Eurofins Ntd Llc (ga)
Classification: Uncertain significance. Last evaluated: 2014-08-19. Review status: criteria provided, single submitter. Criteria: EGL Classification Definitions 2015. Collection method: clinical testing. Allele origin: germline. Observed: 2 variant alleles, 2 heterozygotes.

Department of Clinical Genetics, Copenhagen University Hospital, Rigshospitalet
Classification: Uncertain significance for Retinitis pigmentosa. Last evaluated: 2018-04-01. Review status: no assertion criteria provided. Collection method: research. Allele origin: unknown. Affected: yes. Study: VeluxRD. Not counted in ClinVar's aggregate classification.

Literature cited by the submitters: PubMed 30718709 (cited by Department of Clinical Genetics, Copenhagen University Hospital, Rigshospitalet).